The following is an entry in ClinVar:

NM_006044.4(HDAC6):c.3051G>A (p.Glu1017=)

Gene: HDAC6 (histone deacetylase 6; plus strand). Cytogenetic location: Xp11.23.
Variant type: single nucleotide variant.
Coding change: c.3051G>A on transcript NM_006044.4 (MANE Select); coding-DNA position 3051, G replaced by A.
Protein change: p.Glu1017=; no amino-acid change (glutamic acid 1017 retained).
Molecular consequence: synonymous variant. On other transcripts: non-coding transcript variant (1).
Genome position (GRCh38, 1-based): chrX:48,823,450, G>A. VCF-style: chrX-48823450-G-A. GRCh37 (hg19) VCF-style: chrX-48681860-G-A.
Other names: c.3093G>A, p.Glu1031= (NM_001321225.2); c.3051G>A, p.Glu1017= (NM_001321226.2, NM_001321227.2, NM_001321228.2 and 1 more transcripts).
Identifiers: ClinVar variation 732445 (VCV000732445.27), dbSNP rs368186562, ClinGen allele CA10405352.

ClinVar aggregate classification (germline): Benign/Likely benign. Review status: criteria provided, multiple submitters, no conflicts (2 of 4 stars). 2 submissions from 2 submitters: Benign (1); Likely benign (1). Last evaluated 2023-08-01.

Allele frequency attached by ClinVar (database versions not stated): gnomAD 0.00005; TOPMed 0.00007; ESP Exome Variant Server 0.00009; gnomAD exomes 0.00019 and 0.00027; 1000 Genomes Project 30x 0.00021; 1000 Genomes Project 0.00026; ExAC 0.00043.
gnomAD v4.1: 218 of 1,209,169 alleles (0.018%); highest among the groups gnomAD compares: Middle Eastern, 0.23%; no homozygotes.

Submissions (2):

CeGaT Center for Human Genetics Tuebingen
Classification: Likely benign. Last evaluated: 2023-08-01. Review status: criteria provided, single submitter. Criteria: CeGaT Center For Human Genetics Tuebingen Variant Classification Criteria Version 2. Collection method: clinical testing. Allele origin: germline. Affected: yes. Observed: 1 variant allele.
Comment: HDAC6: BP4, BP7, BS2

Labcorp Genetics (formerly Invitae), Labcorp
Classification: Benign. Last evaluated: 2018-05-21. Review status: criteria provided, single submitter. Criteria: Invitae Variant Classification Sherloc (09022015). Collection method: clinical testing. Allele origin: germline.